The following is an entry in ClinVar:

ClinVar aggregate classification (germline): Uncertain significance (1 of 4 stars; one submission).

Allele frequency attached by ClinVar (database versions not stated): gnomAD exomes 0.00001 and 0.00004; gnomAD 0.00009 and 0.00012; ExAC 0.00011; TOPMed 0.00011; ESP Exome Variant Server 0.00023; 1000 Genomes Project 0.00100; 1000 Genomes Project 30x 0.00109.
gnomAD v4.1: 35 of 1,433,316 alleles (0.0024%); highest among the groups gnomAD compares: African/African-American, 0.036%; no homozygotes.

Submission:

Laboratory for Molecular Medicine, Mass General Brigham Personalized Medicine
Classification: Uncertain significance. Last evaluated: 2017-01-28. Review status: criteria provided, single submitter. Criteria: LMM Criteria. Collection method: clinical testing. Allele origin: germline. Observed: 2 variant alleles.
Comment: The p.Asp848Asn has been previously reported in 2 individuals with hearing loss, 1 of whom also had a second missense variant in OTOF (Sloan-Heggen 2016, LMM un published data). This variant has also been identified in 0.1% (8/6858) of Afric an chromosomes by the Exome Aggregation Consortium (ExAC; dbSNP rs147865867); however, this frequency is not high enough to rule out a pathogenic role. Computational prediction tools and conservation analyses suggest the variant may impact the protein, though this information is not pred ictive enough to determine pathogenicity. In summary, the clinical significance of the p.Asp848Asn variant is uncertain.

Literature cited by the submitters: PubMed 26969326.

NM_194248.3(OTOF):c.2542G>A (p.Asp848Asn)

Gene: OTOF (otoferlin; minus strand). Cytogenetic location: 2p23.3.
Variant type: single nucleotide variant.
Coding change: c.2542G>A on transcript NM_194248.3 (MANE Select); coding-DNA position 2542, G replaced by A.
Protein change: p.Asp848Asn; replaces aspartic acid 848 with asparagine.
Molecular consequence: missense variant.
Genome position (GRCh38, 1-based): chr2:26,477,025, C>T on the plus strand (G>A on the coding strand, the complement: OTOF is on the minus strand). VCF-style: chr2-26477025-C-T. GRCh37 (hg19) VCF-style: chr2-26699893-C-T.
Other names: c.2542G>A, p.Asp848Asn (NM_001287489.2); c.301G>A, p.Asp101Asn (NM_004802.4, NM_194323.3); c.472G>A, p.Asp158Asn (NM_194322.3); short protein forms D848N, D101N, D158N.
Identifiers: ClinVar variation 48202 (VCV000048202.5), dbSNP rs147865867, ClinGen allele CA142814.